The following is an entry in ClinVar:

ClinVar aggregate classification (germline): Uncertain significance (1 of 4 stars; one submission).

Allele frequency attached by ClinVar (database versions not stated): gnomAD exomes 0.00001.
gnomAD v4.1: 10 of 1,575,926 alleles (0.00063%); highest among the groups gnomAD compares: South Asian, 0.0023%; no homozygotes.

Submission:

Labcorp Genetics (formerly Invitae), Labcorp
Classification: Uncertain significance. Last evaluated: 2021-12-25. Review status: criteria provided, single submitter. Criteria: Invitae Variant Classification Sherloc (09022015). Collection method: clinical testing. Allele origin: germline.
Comment: In summary, the available evidence is currently insufficient to determine the role of this variant in disease. Therefore, it has been classified as a Variant of Uncertain Significance. This sequence change affects codon 150 of the VAV1 mRNA. It is a 'silent' change, meaning that it does not change the encoded amino acid sequence of the VAV1 protein. It affects a nucleotide within the consensus splice site. The frequency data for this variant in the population databases is considered unreliable, as metrics indicate poor data quality at this position in the gnomAD database. This variant has not been reported in the literature in individuals affected with VAV1-related conditions. Algorithms developed to predict the effect of sequence changes on RNA splicing suggest that this variant is not likely to affect RNA splicing.

NM_005428.4(VAV1):c.450C>T (p.Asp150=)

Gene: VAV1 (vav guanine nucleotide exchange factor 1; plus strand). Cytogenetic location: 19p13.3.
Variant type: single nucleotide variant.
Coding change: c.450C>T on transcript NM_005428.4 (MANE Select); coding-DNA position 450, C replaced by T.
Protein change: p.Asp150=; no amino-acid change (aspartic acid 150 retained).
Molecular consequence: synonymous variant.
Genome position (GRCh38, 1-based): chr19:6,822,221, C>T. VCF-style: chr19-6822221-C-T. GRCh37 (hg19) VCF-style: chr19-6822232-C-T.
Other names: c.450C>T, p.Asp150= (NM_001258206.2, NM_001258207.2).
Identifiers: ClinVar variation 2414324 (VCV002414324.4), dbSNP rs776054554, ClinGen allele CA9132243.
Genomic context (GRCh38, chr19:6,822,221, plus strand): 5'-GCGGGGACCCTGCTGTGATCTGGGAGAGGTCCAAGGGATCCCTGACCTCACAACCCACAG[C>T]GACACGGTGGAGGAGGATGAGGACCTGTATGACTGCGTGGAGAATGAGGAGGCGGAAGGC-3'
Protein context (NP_005419.2, residues 140-160): DIYSGLSDQI[Asp150=]DTVEEDEDLY